The following is an entry in ClinVar:

ClinVar aggregate classification (germline): Likely benign. Review status: criteria provided, multiple submitters, no conflicts (2 of 4 stars). 2 submissions from 2 submitters: Likely benign (2). Last evaluated 2023-06-09.

Conditions:
Hereditary spastic paraplegia 11. Also called: SPASTIC PARAPLEGIA, AUTOSOMAL RECESSIVE, COMPLICATED, WITH THIN CORPUS CALLOSUM; SPASTIC PARAPLEGIA, AUTOSOMAL RECESSIVE, WITH MENTAL IMPAIRMENT AND THIN CORPUS CALLOSUM; Spastic Paraplegia 11; Nakamura Osame syndrome; Autosomal recessive hereditary spastic paraplegia, mental impairment, and thin corpus callosum; Spastic paraplegia, mental retardation and thin corpus callosum. Identifiers: Orphanet 2822, MedGen C1858479, MONDO:0011445, OMIM 604360.

Allele frequency attached by ClinVar (database versions not stated): gnomAD exomes below 0.00001; ExAC 0.00002.
gnomAD v4.1: 6 of 1,604,918 alleles (0.00037%); highest among the groups gnomAD compares: Non-Finnish European, 0.00051%; no homozygotes.

Submissions (2):

Labcorp Genetics (formerly Invitae), Labcorp
Classification: Likely benign for Hereditary spastic paraplegia 11. Last evaluated: 2023-06-09. Review status: criteria provided, single submitter. Criteria: Invitae Variant Classification Sherloc (09022015). Collection method: clinical testing. Allele origin: germline.

CeGaT Center for Human Genetics Tuebingen
Classification: Likely benign. Last evaluated: 2022-09-01. Review status: criteria provided, single submitter. Criteria: CeGaT Center For Human Genetics Tuebingen Variant Classification Criteria Version 2. Collection method: clinical testing. Allele origin: germline. Affected: yes. Observed: 1 variant allele.
Comment: SPG11: BP4, BP7

NM_025137.4(SPG11):c.219G>A (p.Arg73=)

Gene: SPG11 (SPG11 vesicle trafficking associated, spatacsin; minus strand). Cytogenetic location: 15q21.1.
Variant type: single nucleotide variant.
Coding change: c.219G>A on transcript NM_025137.4 (MANE Select); coding-DNA position 219, G replaced by A.
Protein change: p.Arg73=; no amino-acid change (arginine 73 retained).
Molecular consequence: synonymous variant.
Genome position (GRCh38, 1-based): chr15:44,663,429, C>T on the plus strand (G>A on the coding strand, the complement: SPG11 is on the minus strand). VCF-style: chr15-44663429-C-T. GRCh37 (hg19) VCF-style: chr15-44955627-C-T.
Other names: c.219G>A, p.Arg73= (NM_001160227.2, NM_001411132.1).
Identifiers: ClinVar variation 2645286 (VCV002645286.27), dbSNP rs775897735, ClinGen allele CA7535925.